The following is an entry in ClinVar:

NM_000612.6(IGF2):c.370C>G (p.Gln124Glu)

Genes: IGF2 (insulin like growth factor 2; minus strand), INS-IGF2 (INS-IGF2 readthrough; minus strand). Cytogenetic location: 11p15.5.
Variant type: single nucleotide variant.
Coding change: c.370C>G on transcript NM_000612.6 (MANE Select); coding-DNA position 370, C replaced by G.
Protein change: p.Gln124Glu; replaces glutamine 124 with glutamic acid.
Molecular consequence: missense variant. On other transcripts: non-coding transcript variant (1).
Genome position (GRCh38, 1-based): chr11:2,133,160, G>C on the plus strand (C>G on the coding strand, the complement: IGF2 is on the minus strand). VCF-style: chr11-2133160-G-C. GRCh37 (hg19) VCF-style: chr11-2154390-G-C.
Other names: c.370C>G, p.Gln124Glu (NM_001007139.6, NM_001291861.3, NM_001291862.3); c.538C>G, p.Gln180Glu (NM_001127598.3); short protein forms Q124E, Q180E.
Identifiers: ClinVar variation 2111479 (VCV002111479.4), dbSNP rs2495572002, ClinGen allele CA379113270.

ClinVar aggregate classification (germline): Uncertain significance (1 of 4 stars; one submission).

Submission:

Labcorp Genetics (formerly Invitae), Labcorp
Classification: Uncertain significance. Last evaluated: 2022-03-13. Review status: criteria provided, single submitter. Criteria: Invitae Variant Classification Sherloc (09022015). Collection method: clinical testing. Allele origin: germline.
Comment: In summary, the available evidence is currently insufficient to determine the role of this variant in disease. Therefore, it has been classified as a Variant of Uncertain Significance. Algorithms developed to predict the effect of missense changes on protein structure and function (SIFT, PolyPhen-2, Align-GVGD) all suggest that this variant is likely to be tolerated. This variant has not been reported in the literature in individuals affected with IGF2-related conditions. This variant is not present in population databases (gnomAD no frequency). This sequence change replaces glutamine, which is neutral and polar, with glutamic acid, which is acidic and polar, at codon 124 of the IGF2 protein (p.Gln124Glu).